The following is an entry in ClinVar:

ClinVar aggregate classification (germline): Uncertain significance (1 of 4 stars; one submission).

gnomAD v4.1: 3 of 1,613,912 alleles (0.00019%); highest among the groups gnomAD compares: Non-Finnish European, 0.000085%; no homozygotes.

Submission:

Labcorp Genetics (formerly Invitae), Labcorp
Classification: Uncertain significance. Last evaluated: 2025-03-27. Review status: criteria provided, single submitter. Criteria: Invitae Variant Classification Sherloc (09022015). Collection method: clinical testing. Allele origin: germline.
Comment: This sequence change replaces valine, which is neutral and non-polar, with methionine, which is neutral and non-polar, at codon 56 of the CLUAP1 protein (p.Val56Met). This variant is present in population databases (rs749597681, gnomAD 0.0009%). This variant has not been reported in the literature in individuals affected with CLUAP1-related conditions. Invitae Evidence Modeling of protein sequence and biophysical properties (such as structural, functional, and spatial information, amino acid conservation, physicochemical variation, residue mobility, and thermodynamic stability) indicates that this missense variant is not expected to disrupt CLUAP1 protein function with a negative predictive value of 80%. In summary, the available evidence is currently insufficient to determine the role of this variant in disease. Therefore, it has been classified as a Variant of Uncertain Significance.

NM_015041.3(CLUAP1):c.166G>A (p.Val56Met)

Gene: CLUAP1 (clusterin associated protein 1; plus strand). Cytogenetic location: 16p13.3.
Variant type: single nucleotide variant.
Coding change: c.166G>A on transcript NM_015041.3 (MANE Select); coding-DNA position 166, G replaced by A.
Protein change: p.Val56Met; replaces valine 56 with methionine.
Molecular consequence: missense variant.
Genome position (GRCh38, 1-based): chr16:3,506,362, G>A. VCF-style: chr16-3506362-G-A. GRCh37 (hg19) VCF-style: chr16-3556362-G-A.
Other names: c.166G>A, p.Val56Met (NM_001330454.2); short protein forms V56M.
Identifiers: ClinVar variation 4806256 (VCV004806256.1).